The following is an entry in ClinVar:

NM_014946.4(SPAST):c.1333_1334insCAA (p.Asp444_Ser445insThr)

Gene: SPAST (spastin; plus strand). Cytogenetic location: 2p22.3.
Variant type: Insertion.
Coding change: c.1333_1334insCAA on transcript NM_014946.4 (MANE Select); coding-DNA positions 1333 to 1334, CAA inserted.
Protein change: p.Asp444_Ser445insThr.
Molecular consequence: inframe insertion.
Genome position: GRCh38 VCF-style: chr2-32136887-T-TACA. GRCh37 (hg19) VCF-style: chr2-32361956-T-TACA.
Other names: c.1330_1331insCAA, p.Asp443_Ser444insThr (NM_001363823.2); c.1234_1235insCAA, p.Asp411_Ser412insThr (NM_001363875.2); c.1237_1238insCAA, p.Asp412_Ser413insThr (NM_001377959.1, NM_199436.2).
Identifiers: ClinVar variation 3347765 (VCV003347765.1).

ClinVar aggregate classification (germline): Uncertain significance (0 of 4 stars; one submission).

Conditions:
SPAST-related disorder. Also called: SPAST-related condition.

Submission:

PreventionGenetics, part of Exact Sciences
Classification: Uncertain significance for SPAST-related condition. Last evaluated: 2024-09-20. Review status: no assertion criteria provided. Collection method: clinical testing. Allele origin: germline.
Comment: The SPAST c.1333_1334insCAA variant is predicted to result in an in-frame amino acid insertion (p.Asp444_Ser445insThr). To our knowledge, this variant has not been reported in the literature or in a large population database, indicating this variant is rare. At this time, the clinical significance of this variant is uncertain due to the absence of conclusive functional and genetic evidence.